The following is an entry in ClinVar:

NM_001378120.1(MBD5):c.4138C>T (p.Arg1380Trp)

Gene: MBD5 (methyl-CpG binding domain protein 5; plus strand). Cytogenetic location: 2q23.1.
Variant type: single nucleotide variant.
Coding change: c.4138C>T on transcript NM_001378120.1 (MANE Select); coding-DNA position 4138, C replaced by T.
Protein change: p.Arg1380Trp; replaces arginine 1380 with tryptophan.
Molecular consequence: missense variant.
Genome position (GRCh38, 1-based): chr2:148,489,770, C>T. VCF-style: chr2-148489770-C-T. GRCh37 (hg19) VCF-style: chr2-149247339-C-T.
Other names: p.R1147W:CGG>TGG; c.3439C>T, p.Arg1147Trp (NM_018328.5); short protein forms R1147W, R1380W.
Identifiers: ClinVar variation 206101 (VCV000206101.13), dbSNP rs142293829, ClinGen allele CA315858.

ClinVar aggregate classification (germline): Conflicting classifications of pathogenicity. Review status: criteria provided, conflicting classifications (1 of 4 stars). 4 submissions from 4 submitters: Uncertain significance (1); Likely benign (3). Last evaluated 2025-12-23.

Conditions:
MBD5-related disorder. Also called: MBD5-related condition.
Inborn genetic diseases. Identifiers: MedGen C0950123, MeSH D030342.
Intellectual developmental disorder, autosomal dominant 1. Also called: Intellectual disability, autosomal dominant 1; MBD5 Haploinsufficiency. Identifiers: Orphanet 228402, MedGen C1969562, MONDO:0007974, OMIM 156200.

Allele frequency attached by ClinVar (database versions not stated): gnomAD 0.00002; gnomAD exomes 0.00003; ExAC 0.00004; TOPMed 0.00004; ESP Exome Variant Server 0.00015.
gnomAD v4.1: 30 of 1,613,836 alleles (0.0019%); highest among the groups gnomAD compares: Middle Eastern, 0.016%; no homozygotes.

Submissions (4):

PreventionGenetics, part of Exact Sciences
Classification: Likely benign for MBD5-related condition. Last evaluated: 2025-12-23. Review status: criteria provided, single submitter. Criteria: ACMG Guidelines, 2015. Collection method: clinical testing. Allele origin: germline.
Comment: This variant is classified as likely benign based on ACMG/AMP sequence variant interpretation guidelines (Richards et al. 2015 PMID: 25741868, with internal and published modifications).

Labcorp Genetics (formerly Invitae), Labcorp
Classification: Uncertain significance for Intellectual developmental disorder, autosomal dominant 1. Last evaluated: 2025-10-16. Review status: criteria provided, single submitter. Criteria: Invitae Variant Classification Sherloc (09022015). Collection method: clinical testing. Allele origin: germline.
Comment: This sequence change replaces arginine, which is basic and polar, with tryptophan, which is neutral and slightly polar, at codon 1147 of the MBD5 protein (p.Arg1147Trp). This variant is present in population databases (rs142293829, gnomAD 0.007%). This variant has not been reported in the literature in individuals affected with MBD5-related conditions. ClinVar contains an entry for this variant (Variation ID: 206101). Experimental studies and prediction algorithms are not available or were not evaluated, and the functional significance of this variant is currently unknown. In summary, the available evidence is currently insufficient to determine the role of this variant in disease. Therefore, it has been classified as a Variant of Uncertain Significance.

Ambry Genetics
Classification: Likely benign for Inborn genetic diseases. Last evaluated: 2021-11-19. Review status: criteria provided, single submitter. Criteria: Ambry Variant Classification Scheme 2023. Collection method: clinical testing. Allele origin: germline.

GeneDx
Classification: Likely benign. Last evaluated: 2021-05-25. Review status: criteria provided, single submitter. Criteria: GeneDx Variant Classification Process June 2021. Collection method: clinical testing. Allele origin: germline. Affected: yes.
Comment: Missense variant in a gene in which most reported pathogenic variants are truncating/loss-of-function; In silico analysis supports that this missense variant does not alter protein structure/function; Has not been previously published as pathogenic or benign to our knowledge